The following is an entry in ClinVar:

NM_018670.4(MESP1):c.209G>A (p.Gly70Asp)

Genes: MESP1 (mesoderm posterior bHLH transcription factor 1; minus strand), LOC130057889 (ATAC-STARR-seq lymphoblastoid silent region 6804; plus strand). Cytogenetic location: 15q26.1.
Variant type: single nucleotide variant.
Coding change: c.209G>A on transcript NM_018670.4 (MANE Select); coding-DNA position 209, G replaced by A.
Protein change: p.Gly70Asp; replaces glycine 70 with aspartic acid.
Molecular consequence: missense variant.
Genome position (GRCh38, 1-based): chr15:89,751,023, C>T on the plus strand (G>A on the coding strand, the complement: MESP1 is on the minus strand). VCF-style: chr15-89751023-C-T. GRCh37 (hg19) VCF-style: chr15-90294254-C-T.
Other names: short protein forms G70D.
Identifiers: ClinVar variation 1380006 (VCV001380006.8), dbSNP rs770840637, ClinGen allele CA7730271.

ClinVar aggregate classification (germline): Uncertain significance (1 of 4 stars; one submission).

Allele frequency attached by ClinVar (database versions not stated): gnomAD exomes 0.00151.

Submission:

Labcorp Genetics (formerly Invitae), Labcorp
Classification: Uncertain significance. Last evaluated: 2025-10-21. Review status: criteria provided, single submitter. Criteria: Invitae Variant Classification Sherloc (09022015). Collection method: clinical testing. Allele origin: germline.
Comment: This sequence change replaces glycine, which is neutral and non-polar, with aspartic acid, which is acidic and polar, at codon 70 of the MESP1 protein (p.Gly70Asp). This variant is present in population databases (rs770840637, gnomAD 0.6%). This missense change has been observed in individual(s) with a congenital heart defect (PMID: 26694203). ClinVar contains an entry for this variant (Variation ID: 1380006). An algorithm developed to predict the effect of missense changes on protein structure and function (PolyPhen-2) suggests that this variant is likely to be disruptive. Experimental studies have shown that this missense change does not substantially affect MESP1 function (PMID: 26694203). In summary, the available evidence is currently insufficient to determine the role of this variant in disease. Therefore, it has been classified as a Variant of Uncertain Significance.

Literature cited by the submitters: PubMed 26694203.